The following is an entry in ClinVar:

ClinVar aggregate classification (germline): Likely benign (1 of 4 stars; one submission).

gnomAD v4.1: 23 of 1,613,348 alleles (0.0014%); highest among the groups gnomAD compares: African/African-American, 0.0067%; no homozygotes.

Submission:

CeGaT Center for Human Genetics Tuebingen
Classification: Likely benign. Last evaluated: 2025-08-01. Review status: criteria provided, single submitter. Criteria: CeGaT Center For Human Genetics Tuebingen Variant Classification Criteria Version 2. Collection method: clinical testing. Allele origin: germline. Affected: yes. Observed: 1 variant allele.
Comment: TTN: BP4, BP7

NM_001267550.2(TTN):c.20925G>A (p.Pro6975=)

Genes: TTN (titin; minus strand), LOC126806428 (BRD4-independent group 4 enhancer GRCh37_chr2:179588362-179589561; plus strand). Cytogenetic location: 2q31.2.
Variant type: single nucleotide variant.
Coding change: c.20925G>A on transcript NM_001267550.2 (MANE Select); coding-DNA position 20925, G replaced by A.
Protein change: p.Pro6975=; no amino-acid change (proline 6975 retained).
Molecular consequence: synonymous variant. On other transcripts: intron variant (3).
Genome position (GRCh38, 1-based): chr2:178,724,450, C>T on the plus strand (G>A on the coding strand, the complement: TTN is on the minus strand). VCF-style: chr2-178724450-C-T. GRCh37 (hg19) VCF-style: chr2-179589177-C-T.
Other names: c.19974G>A, p.Pro6658= (NM_001256850.1); c.17193G>A, p.Pro5731= (NM_133378.4); c.13282+13632G>A (NM_003319.4); c.13858+13632G>A (NM_133437.4); c.13657+13632G>A (NM_133432.3).
Identifiers: ClinVar variation 4084391 (VCV004084391.8).
Genomic context (GRCh38, chr2:178,724,450, plus strand): 5'-TTTGTGTTTTTGGCTGCTGGTCAACAGCTTTCCATCCTTGTACCATTCAACAGAGAGTTC[C>T]GGAGTGCCAGCCACCTTACACTCCAGAGTGCACGTTTCTCCTACAGTCACCGTCATCGGT-3'
Protein context (NP_001254479.2, residues 6965-6985): CTLECKVAGT[Pro6975=]ELSVEWYKDG